The following is an entry in ClinVar:

NM_000222.3(KIT):c.844G>A (p.Val282Ile)

Gene: KIT (KIT proto-oncogene, receptor tyrosine kinase; plus strand). Cytogenetic location: 4q12.
Variant type: single nucleotide variant.
Coding change: c.844G>A on transcript NM_000222.3 (MANE Select); coding-DNA position 844, G replaced by A.
Protein change: p.Val282Ile; replaces valine 282 with isoleucine.
Molecular consequence: missense variant.
Genome position (GRCh38, 1-based): chr4:54,703,811, G>A. VCF-style: chr4-54703811-G-A. GRCh37 (hg19) VCF-style: chr4-55569977-G-A.
Other names: c.844G>A, p.Val282Ile (NM_001093772.2, NM_001385285.1, NM_001385286.1); c.847G>A, p.Val283Ile (NM_001385284.1, NM_001385288.1, NM_001385290.1 and 1 more transcripts); short protein forms V282I, V283I.
Identifiers: ClinVar variation 237284 (VCV000237284.11), dbSNP rs771961192, ClinGen allele CA2923330.
Genomic context (GRCh38, chr4:54,703,811, plus strand): 5'-TGGCATCACGGTGACTTCAATTATGAACGTCAGGCAACGTTGACTATCAGTTCAGCGAGA[G>A]TTAATGATTCTGGAGTGTTCATGTGTTATGCCAATAATACTTTTGGATCAGCAAATGTCA-3'
Protein context (NP_000213.1, residues 272-292): QATLTISSAR[Val282Ile]NDSGVFMCYA

ClinVar aggregate classification (germline): Uncertain significance. Review status: criteria provided, multiple submitters, no conflicts (2 of 4 stars). 3 submissions from 3 submitters: Uncertain significance (3). Last evaluated 2025-05-15.

Conditions:
Hereditary cancer-predisposing syndrome. Also called: Neoplastic Syndromes, Hereditary; Hereditary neoplastic syndrome; Hereditary Cancer Syndrome; Tumor predisposition. Identifiers: Orphanet 140162, MedGen C0027672, MeSH D009386, MONDO:0015356.
Gastrointestinal stromal tumor. Also called: Gastrointestinal stromal tumor, somatic; Gastrointestinal stroma tumor. Identifiers: Orphanet 44890, MedGen C0238198, MeSH D046152, MONDO:0011719, OMIM 606764, HP:0100723.

Allele frequency attached by ClinVar (database versions not stated): gnomAD exomes 0.00001; ExAC 0.00002.
gnomAD v4.1: 15 of 1,613,872 alleles (0.00093%); highest among the groups gnomAD compares: Admixed American, 0.0017%; no homozygotes.

Submissions (3):

Ambry Genetics
Classification: Uncertain significance for Hereditary cancer-predisposing syndrome. Last evaluated: 2025-05-15. Review status: criteria provided, single submitter. Criteria: Ambry Variant Classification Scheme 2023. Collection method: clinical testing. Allele origin: germline.
Comment: The p.V282I variant (also known as c.844G>A), located in coding exon 5 of the KIT gene, results from a G to A substitution at nucleotide position 844. The valine at codon 282 is replaced by isoleucine, an amino acid with highly similar properties. This amino acid position is conserved. In addition, this alteration is predicted to be tolerated by in silico analysis. Based on the available evidence, the clinical significance of this variant remains unclear.

Baylor Genetics
Classification: Uncertain significance for Gastrointestinal stromal tumor. Last evaluated: 2024-02-02. Review status: criteria provided, single submitter. Criteria: ACMG Guidelines, 2015. Collection method: clinical testing. Allele origin: unknown.

Labcorp Genetics (formerly Invitae), Labcorp
Classification: Uncertain significance for Gastrointestinal stromal tumor. Last evaluated: 2023-05-09. Review status: criteria provided, single submitter. Criteria: Invitae Variant Classification Sherloc (09022015). Collection method: clinical testing. Allele origin: germline.
Comment: In summary, the available evidence is currently insufficient to determine the role of this variant in disease. Therefore, it has been classified as a Variant of Uncertain Significance. An algorithm developed to predict the effect of missense changes on protein structure and function (PolyPhen-2) suggests that this variant is likely to be disruptive. ClinVar contains an entry for this variant (Variation ID: 237284). This variant has not been reported in the literature in individuals affected with KIT-related conditions. This variant is present in population databases (rs771961192, gnomAD 0.003%). This sequence change replaces valine, which is neutral and non-polar, with isoleucine, which is neutral and non-polar, at codon 282 of the KIT protein (p.Val282Ile).